The following is an entry in ClinVar:

ClinVar aggregate classification (germline): Uncertain significance. Review status: criteria provided, multiple submitters, no conflicts (2 of 4 stars). 2 submissions from 2 submitters: Uncertain significance (2). Last evaluated 2025-09-17.

Conditions:
VPS13B-related disorder. Also called: VPS13B-related condition.
Cohen syndrome (COH1). Also called: Cutis verticis gyrata, retinitis pigmentosa, and sensorineural deafness; PEPPER SYNDROME. Identifiers: Orphanet 193, MedGen C0265223, MONDO:0008999, OMIM 216550.

gnomAD v4.1: 6 of 1,614,148 alleles (0.00037%); highest among the groups gnomAD compares: Non-Finnish European, 0.00034%; no homozygotes.

Submissions (2):

PreventionGenetics, part of Exact Sciences
Classification: Uncertain significance for VPS13B-related condition. Last evaluated: 2025-09-17. Review status: criteria provided, single submitter. Criteria: ACMG Guidelines, 2015. Collection method: clinical testing. Allele origin: germline.
Comment: The VPS13B c.5717A>G variant is predicted to result in the amino acid substitution p.Gln1906Arg. To our knowledge, this variant has not been reported in the literature or in a large population database (gnomAD), indicating this variant is rare. At this time, the clinical significance of this variant is uncertain due to the absence of conclusive functional and genetic evidence.

Labcorp Genetics (formerly Invitae), Labcorp
Classification: Uncertain significance for Cohen syndrome. Last evaluated: 2024-10-17. Review status: criteria provided, single submitter. Criteria: Invitae Variant Classification Sherloc (09022015). Collection method: clinical testing. Allele origin: germline.
Comment: This sequence change replaces glutamine, which is neutral and polar, with arginine, which is basic and polar, at codon 1931 of the VPS13B protein (p.Gln1931Arg). This variant is not present in population databases (gnomAD no frequency). This variant has not been reported in the literature in individuals affected with VPS13B-related conditions. Invitae Evidence Modeling of protein sequence and biophysical properties (such as structural, functional, and spatial information, amino acid conservation, physicochemical variation, residue mobility, and thermodynamic stability) indicates that this missense variant is expected to disrupt VPS13B protein function with a positive predictive value of 80%. In summary, the available evidence is currently insufficient to determine the role of this variant in disease. Therefore, it has been classified as a Variant of Uncertain Significance.

NM_152564.5(VPS13B):c.5717A>G (p.Gln1906Arg)

Gene: VPS13B (vacuolar protein sorting 13 homolog B; plus strand). Cytogenetic location: 8q22.2.
Variant type: single nucleotide variant.
Coding change: c.5717A>G on transcript NM_152564.5 (MANE Select); coding-DNA position 5717, A replaced by G.
Protein change: p.Gln1906Arg; replaces glutamine 1906 with arginine.
Molecular consequence: missense variant.
Genome position (GRCh38, 1-based): chr8:99,642,307, A>G. VCF-style: chr8-99642307-A-G. GRCh37 (hg19) VCF-style: chr8-100654535-A-G.
Other names: c.5792A>G, p.Gln1931Arg (NM_017890.5); short protein forms Q1906R, Q1931R.
Identifiers: ClinVar variation 3625434 (VCV003625434.3).